The following is an entry in ClinVar:

ClinVar aggregate classification (germline): Conflicting classifications of pathogenicity. Review status: criteria provided, conflicting classifications (1 of 4 stars). 4 submissions from 4 submitters: Likely pathogenic (1); Uncertain significance (3). Last evaluated 2025-12-10.

Conditions:
BBS5-related disorder. Also called: BBS5-related condition.
Bardet-Biedl syndrome 5 (BBS5). Identifiers: Orphanet 110, MedGen C3892039, MONDO:0014434, OMIM 615983.
Bardet-Biedl syndrome (BBS). Identifiers: Orphanet 110, MedGen C0752166, MONDO:0015229.

gnomAD v4.1: 3 of 1,613,370 alleles (0.00019%); highest among the groups gnomAD compares: East Asian, 0.0022%; no homozygotes.

Submissions (4):

Labcorp Genetics (formerly Invitae), Labcorp
Classification: Likely pathogenic for Bardet-Biedl syndrome. Last evaluated: 2025-12-10. Review status: criteria provided, single submitter. Criteria: Invitae Variant Classification Sherloc (09022015). Collection method: clinical testing. Allele origin: germline.
Comment: This sequence change falls in intron 4 of the BBS5 gene. It does not directly change the encoded amino acid sequence of the BBS5 protein. It affects a nucleotide within the consensus splice site. This variant is present in population databases (no rsID available, gnomAD 0.007%). This variant has been observed in individual(s) with BBS5-related conditions (internal data). ClinVar contains an entry for this variant (Variation ID: 1056120). Variants that disrupt the consensus splice site are a relatively common cause of aberrant splicing (PMID: 17576681, 9536098). Algorithms developed to predict the effect of sequence changes on RNA splicing suggest that this variant may disrupt the consensus splice site. In summary, the currently available evidence indicates that the variant is pathogenic, but additional data are needed to prove that conclusively. Therefore, this variant has been classified as Likely Pathogenic.

PreventionGenetics, part of Exact Sciences
Classification: Uncertain significance for BBS5-related condition. Last evaluated: 2024-11-09. Review status: criteria provided, single submitter. Criteria: ACMG Guidelines, 2015. Collection method: clinical testing. Allele origin: germline.
Comment: The BBS5 c.259-3C>G variant is predicted to interfere with splicing. This variant is predicted to decrease the strength of the canonical splice acceptor site (SpliceAI, Jaganathan et al. 2019. PubMed ID: 30661751). To our knowledge, this variant has not been reported in the literature. This variant is reported in 0.0065% of alleles in individuals of European (Non-Finnish) descent in gnomAD. Although we suspect that this variant may be pathogenic, at this time, the clinical significance of this variant is uncertain due to the absence of conclusive functional and genetic evidence.

New York Genome Center
Classification: Uncertain significance for Bardet-Biedl syndrome 5. Last evaluated: 2022-04-01. Review status: criteria provided, single submitter. Criteria: NYGC Assertion Criteria 2020. Collection method: clinical testing. Allele origin: germline. Observed: 1 heterozygote.

Fulgent Genetics
Classification: Uncertain significance for Bardet-Biedl syndrome 5. Last evaluated: 2022-01-02. Review status: criteria provided, single submitter. Criteria: ACMG Guidelines, 2015. Collection method: clinical testing. Allele origin: unknown.

Literature cited by the submitters: PubMed 17576681 (cited by Labcorp Genetics (formerly Invitae), Labcorp); PubMed 9536098 (cited by Labcorp Genetics (formerly Invitae), Labcorp).

NM_152384.3(BBS5):c.259-3C>G

Gene: BBS5 (Bardet-Biedl syndrome 5; plus strand). Cytogenetic location: 2q31.1.
Variant type: single nucleotide variant.
Coding change: c.259-3C>G on transcript NM_152384.3 (MANE Select); 3 bases into the intron before coding-DNA position 259, C replaced by G.
Molecular consequence: intron variant.
Genome position (GRCh38, 1-based): chr2:169,487,984, C>G. VCF-style: chr2-169487984-C-G. GRCh37 (hg19) VCF-style: chr2-170344494-C-G.
Other names: c.259-3C>G (NM_152384.2).
Identifiers: ClinVar variation 1056120 (VCV001056120.11), dbSNP rs564412855, ClinGen allele CA537972171.